The following is an entry in ClinVar:

ClinVar aggregate classification (germline): Pathogenic (1 of 4 stars; one submission).

Conditions:
Familial adenomatous polyposis 1 (FAP1). Also called: POLYPOSIS, ADENOMATOUS INTESTINAL; FAMILIAL ADENOMATOUS POLYPOSIS 1, ATTENUATED. Identifiers: MedGen C2713442, MONDO:0021056, OMIM 175100. Disease mechanism: loss of function.

Submission:

Myriad Genetics, Inc.
Classification: Pathogenic for Familial adenomatous polyposis 1. Last evaluated: 2023-05-09. Review status: criteria provided, single submitter. Criteria: Myriad Autosomal Dominant, Autosomal Recessive and X-Linked Classification Criteria (2023). Collection method: clinical testing. Allele origin: unknown.
Comment: This variant is considered pathogenic. This variant creates a frameshift predicted to result in premature protein truncation.

NM_000038.6(APC):c.3667_3670dup (p.Asn1224delinsIleTer)

Gene: APC (APC regulator of Wnt signaling pathway; plus strand). Cytogenetic location: 5q22.2.
Variant type: Duplication.
Coding change: c.3667_3670dup on transcript NM_000038.6 (MANE Select); coding-DNA positions 3667 to 3670, 4 bases duplicated (TCTA; older notation c.3667_3670dupTCTA).
Protein change: p.Asn1224delinsIleTer.
Molecular consequence: nonsense. On other transcripts: non-coding transcript variant (2).
Genome position (GRCh38, 1-based): chr5:112,839,261-112,839,264, TCTA duplicated; duplicating any 4 consecutive bases within chr5:112,839,260-112,839,264 gives the same sequence; the c. name uses the placement nearest the transcript's 3' end. VCF-style (leftmost placement, unchanged base first): chr5-112839259-C-CATCT. GRCh37 (hg19) VCF-style: chr5-112174956-C-CATCT.
Other names: c.3667_3670dup, p.Asn1224delinsIleTer (NM_001127510.3, NM_001354895.2, NM_001407450.1); c.3613_3616dup, p.Asn1206delinsIleTer (NM_001127511.3); c.3721_3724dup, p.Asn1242delinsIleTer (NM_001354896.2, NM_001407447.1, NM_001407448.1 and 1 more transcripts); c.3697_3700dup, p.Asn1234delinsIleTer (NM_001354897.2); c.3592_3595dup, p.Asn1199delinsIleTer (NM_001354898.2); c.3583_3586dup, p.Asn1196delinsIleTer (NM_001354899.2); c.3544_3547dup, p.Asn1183delinsIleTer (NM_001354900.2); c.3490_3493dup, p.Asn1165delinsIleTer (NM_001354901.2, NM_001407453.1); and 11 more.
Identifiers: ClinVar variation 2583524 (VCV002583524.2), dbSNP rs2533515402, ClinGen allele CA2582341530.